The following is an entry in ClinVar:

ClinVar aggregate classification (germline): Likely benign. Review status: criteria provided, multiple submitters, no conflicts (2 of 4 stars). 3 submissions from 3 submitters: Likely benign (2). 1 of the submissions does not count toward it. Last evaluated 2024-10-26.

Conditions:
Acrocallosal syndrome (ACLS). Also called: Schinzel syndrome 1; Absence of corpus callosum with unusual facial appearance, mental deficiency, duplication of the halluces and polydactyly; HALLUX DUPLICATION, POSTAXIAL POLYDACTYLY, AND ABSENCE OF CORPUS CALLOSUM. Identifiers: Orphanet 36, MedGen C0796147, MONDO:0008708, OMIM 200990.
KIF7-related disorder. Also called: KIF7-related condition.

Allele frequency attached by ClinVar (database versions not stated): TOPMed 0.00002; gnomAD 0.00003; gnomAD exomes 0.00006 and 0.00011; ESP Exome Variant Server 0.00008; ExAC 0.00009.
gnomAD v4.1: 155 of 1,613,714 alleles (0.0096%); highest among the groups gnomAD compares: Non-Finnish European, 0.013%; no homozygotes.

Submissions (3):

Labcorp Genetics (formerly Invitae), Labcorp
Classification: Likely benign for Acrocallosal syndrome. Last evaluated: 2024-10-26. Review status: criteria provided, single submitter. Criteria: Invitae Variant Classification Sherloc (09022015). Collection method: clinical testing. Allele origin: germline.

Blueprint Genetics
Classification: Likely benign. Last evaluated: 2022-11-07. Review status: criteria provided, single submitter. Criteria: ACMG Guidelines, 2015. Collection method: clinical testing. Allele origin: germline.

PreventionGenetics, part of Exact Sciences
Classification: Likely benign for KIF7-related condition. Last evaluated: 2019-05-07. Review status: no assertion criteria provided. Collection method: clinical testing. Allele origin: germline. Not counted in ClinVar's aggregate classification.
Comment: This variant is classified as likely benign based on ACMG/AMP sequence variant interpretation guidelines (Richards et al. 2015 PMID: 25741868, with internal and published modifications).

NM_198525.3(KIF7):c.1671G>A (p.Gly557=)

Gene: KIF7 (kinesin family member 7; minus strand). Cytogenetic location: 15q26.1.
Variant type: single nucleotide variant.
Coding change: c.1671G>A on transcript NM_198525.3 (MANE Select); coding-DNA position 1671, G replaced by A.
Protein change: p.Gly557=; no amino-acid change (glycine 557 retained).
Molecular consequence: synonymous variant.
Genome position (GRCh38, 1-based): chr15:89,646,947, C>T on the plus strand (G>A on the coding strand, the complement: KIF7 is on the minus strand). VCF-style: chr15-89646947-C-T. GRCh37 (hg19) VCF-style: chr15-90190178-C-T.
Other names: c.1671G>A (NM_198525.2).
Identifiers: ClinVar variation 1651143 (VCV001651143.11), dbSNP rs142355569, ClinGen allele CA7728491.